The following is an entry in ClinVar:

NM_001407.3(CELSR3):c.3100G>C (p.Glu1034Gln)

Gene: CELSR3 (cadherin EGF LAG seven-pass G-type receptor 3; minus strand). Cytogenetic location: 3p21.31.
Variant type: single nucleotide variant.
Coding change: c.3100G>C on transcript NM_001407.3 (MANE Select); coding-DNA position 3100, G replaced by C.
Protein change: p.Glu1034Gln; replaces glutamic acid 1034 with glutamine.
Molecular consequence: missense variant.
Genome position (GRCh38, 1-based): chr3:48,659,535, C>G on the plus strand (G>C on the coding strand, the complement: CELSR3 is on the minus strand). VCF-style: chr3-48659535-C-G. GRCh37 (hg19) VCF-style: chr3-48696968-C-G.
Other names: short protein forms E1034Q.
Identifiers: ClinVar variation 2672066 (VCV002672066.1), dbSNP rs201106333, ClinGen allele CA2385176.

ClinVar aggregate classification (germline): Likely pathogenic (0 of 4 stars; one submission).

Conditions:
Congenital anomalies of kidney and urinary tract 1. Also called: Renal hypodysplasia, nonsyndromic, 1; Congenital anomalies of kidney and urinary tract 1, susceptibility to. Identifiers: MedGen C1835826, MONDO:0012561, OMIM 610805.

Allele frequency attached by ClinVar (database versions not stated): TOPMed 0.00002; gnomAD 0.00007; 1000 Genomes Project 30x 0.00031; ExAC 0.00037; 1000 Genomes Project 0.00040.
gnomAD v4.1: 224 of 1,614,220 alleles (0.014%); highest among the groups gnomAD compares: South Asian, 0.23%; 2 homozygotes.

Submission:

Institute of Anatomy and Cell Biology, Medical Faculty, University Of Bonn
Classification: Likely pathogenic for Congenital anomalies of kidney and urinary tract 1. Last evaluated: 2023-08-16. Review status: no assertion criteria provided. Collection method: clinical testing. Allele origin: unknown. Affected: yes.
Comment: This variant was observed in homozygosity